The following is an entry in ClinVar:

NM_198129.4(LAMA3):c.4545C>T (p.Ser1515=)

Gene: LAMA3 (laminin subunit alpha 3; plus strand). Cytogenetic location: 18q11.2.
Variant type: single nucleotide variant.
Coding change: c.4545C>T on transcript NM_198129.4 (MANE Select); coding-DNA position 4545, C replaced by T.
Protein change: p.Ser1515=; no amino-acid change (serine 1515 retained).
Molecular consequence: synonymous variant.
Genome position (GRCh38, 1-based): chr18:23,861,768, C>T. VCF-style: chr18-23861768-C-T. GRCh37 (hg19) VCF-style: chr18-21441732-C-T.
Other names: c.4545C>T, p.Ser1515= (NM_001127717.4); c.4545C>T (NM_198129.2).
Identifiers: ClinVar variation 2054006 (VCV002054006.7), dbSNP rs183722225, ClinGen allele CA8915639.
Genomic context (GRCh38, chr18:23,861,768, plus strand): 5'-CAACCCAGGCAGCAACAGTATGGTGGCGGATCTCCAGGAGCTGCCCGCAACCATCCACAG[C>T]GCGTCCTGGGTCGCACCCACCTCCTACCTGGGGGACAAGGTAATGATGTCCTGCTGTTCT-3'
Protein context (NP_937762.2, residues 1505-1525): DLQELPATIH[Ser1515=]ASWVAPTSYL

ClinVar aggregate classification (germline): Benign/Likely benign. Review status: criteria provided, multiple submitters, no conflicts (2 of 4 stars). 3 submissions from 3 submitters: Benign (1); Likely benign (1). 1 of the submissions does not count toward it. Last evaluated 2024-11-13.

Conditions:
LAMA3-related disorder. Also called: LAMA3-related disorders; LAMA3-related condition.

Allele frequency attached by ClinVar (database versions not stated): ExAC 0.00110; 1000 Genomes Project 0.00379; ESP Exome Variant Server 0.00388; 1000 Genomes Project 30x 0.00390.
gnomAD v4.1: 953 of 1,613,712 alleles (0.059%); highest among the groups gnomAD compares: African/African-American, 1.1%; 9 homozygotes.

Submissions (3):

Blueprint Genetics
Classification: Likely benign. Last evaluated: 2024-11-13. Review status: criteria provided, single submitter. Criteria: ACMG Guidelines, 2015. Collection method: clinical testing. Allele origin: germline.

Labcorp Genetics (formerly Invitae), Labcorp
Classification: Benign. Last evaluated: 2022-07-05. Review status: criteria provided, single submitter. Criteria: Invitae Variant Classification Sherloc (09022015). Collection method: clinical testing. Allele origin: germline.

PreventionGenetics, part of Exact Sciences
Classification: Benign for LAMA3-related condition. Last evaluated: 2019-03-25. Review status: no assertion criteria provided. Collection method: clinical testing. Allele origin: germline. Not counted in ClinVar's aggregate classification.
Comment: This variant is classified as benign based on ACMG/AMP sequence variant interpretation guidelines (Richards et al. 2015 PMID: 25741868, with internal and published modifications).